The following is an entry in ClinVar:

ClinVar aggregate classification (germline): Pathogenic/Likely pathogenic. Review status: criteria provided, multiple submitters, no conflicts (2 of 4 stars). 2 submissions from 2 submitters: Pathogenic (1); Likely pathogenic (1). Last evaluated 2025-06-29.

Conditions:
Osteogenesis imperfecta type I (OI1). Also called: OI, TYPE I; OSTEOGENESIS IMPERFECTA TARDA; OSTEOGENESIS IMPERFECTA WITH BLUE SCLERAE; Lobstein disease; Lobstein's Disease; Osteogenesis imperfecta type 1. Identifiers: Orphanet 216796, Orphanet 666, MedGen C0023931, MONDO:0008146, OMIM 166200. Disease mechanism: loss of function.

Submissions (2):

Labcorp Genetics (formerly Invitae), Labcorp
Classification: Pathogenic for Osteogenesis imperfecta type I. Last evaluated: 2025-06-29. Review status: criteria provided, single submitter. Criteria: Invitae Variant Classification Sherloc (09022015). Collection method: clinical testing. Allele origin: germline.
Comment: This sequence change affects an acceptor splice site in intron 15 of the COL1A1 gene. It is expected to disrupt RNA splicing. Variants that disrupt the donor or acceptor splice site typically lead to a loss of protein function (PMID: 16199547), and loss-of-function variants in COL1A1 are known to be pathogenic (PMID: 7942841, 9295084, 9443882). This variant is not present in population databases (gnomAD no frequency). Disruption of this splice site has been observed in individual(s) with osteogenesis imperfecta (PMID: 17078022). ClinVar contains an entry for this variant (Variation ID: 493219). Algorithms developed to predict the effect of sequence changes on RNA splicing suggest that this variant may disrupt the consensus splice site. For these reasons, this variant has been classified as Pathogenic.

CeGaT Center for Human Genetics Tuebingen
Classification: Likely pathogenic. Last evaluated: 2017-07-01. Review status: criteria provided, single submitter. Criteria: CeGaT Center For Human Genetics Tuebingen Variant Classification Criteria Version 2. Collection method: clinical testing. Allele origin: germline. Affected: yes. Observed: 1 variant allele.

Literature cited by the submitters: PubMed 16199547 (cited by Labcorp Genetics (formerly Invitae), Labcorp); PubMed 7942841 (cited by Labcorp Genetics (formerly Invitae), Labcorp); PubMed 9295084 (cited by Labcorp Genetics (formerly Invitae), Labcorp); PubMed 9443882 (cited by Labcorp Genetics (formerly Invitae), Labcorp); PubMed 17078022 (cited by Labcorp Genetics (formerly Invitae), Labcorp).

NM_000088.4(COL1A1):c.1003-1G>A

Gene: COL1A1 (collagen type I alpha 1 chain; minus strand). Cytogenetic location: 17q21.33.
Variant type: single nucleotide variant.
Coding change: c.1003-1G>A on transcript NM_000088.4 (MANE Select); the canonical splice acceptor site of the intron before coding-DNA position 1003, G replaced by A.
Molecular consequence: splice acceptor variant.
Genome position (GRCh38, 1-based): chr17:50,195,977, C>T on the plus strand (G>A on the coding strand, the complement: COL1A1 is on the minus strand). VCF-style: chr17-50195977-C-T. GRCh37 (hg19) VCF-style: chr17-48273338-C-T.
Identifiers: ClinVar variation 493219 (VCV000493219.49), dbSNP rs72645361, ClinGen allele CA400221105.